The following is an entry in ClinVar:

NM_000368.5(TSC1):c.118A>G (p.Met40Val)

Gene: TSC1 (TSC complex subunit 1; minus strand). Cytogenetic location: 9q34.13.
Variant type: single nucleotide variant.
Coding change: c.118A>G on transcript NM_000368.5 (MANE Select); coding-DNA position 118, A replaced by G.
Protein change: p.Met40Val; replaces methionine 40 with valine.
Molecular consequence: missense variant. On other transcripts: intron variant (1).
Genome position (GRCh38, 1-based): chr9:132,927,293, T>C on the plus strand (A>G on the coding strand, the complement: TSC1 is on the minus strand). VCF-style: chr9-132927293-T-C. GRCh37 (hg19) VCF-style: chr9-135802680-T-C.
Other names: c.118A>G, p.Met40Val (NM_001162426.2, NM_001162427.2); c.-154+1474A>G (NM_001362177.2); c.118A>G (NM_000368.4); short protein forms M40V.
Identifiers: ClinVar variation 1059296 (VCV001059296.11), dbSNP rs974227401, ClinGen allele CA200902340.

ClinVar aggregate classification (germline): Uncertain significance. Review status: criteria provided, multiple submitters, no conflicts (2 of 4 stars). 3 submissions from 3 submitters: Uncertain significance (3). Last evaluated 2025-03-12.

Conditions:
Hereditary cancer-predisposing syndrome. Also called: Tumor predisposition; Neoplastic Syndromes, Hereditary; Hereditary Cancer Syndrome; Hereditary neoplastic syndrome. Identifiers: Orphanet 140162, MedGen C0027672, MeSH D009386, MONDO:0015356.
Tuberous sclerosis 1 (TSC1). Identifiers: Orphanet 805, MedGen C1854465, MONDO:0008612, OMIM 191100.

Allele frequency attached by ClinVar (database versions not stated): gnomAD 0.00001.
gnomAD v4.1: 1 of 1,613,700 alleles (0.000062%); highest among the groups gnomAD compares: African/African-American, 0.0013%; no homozygotes.

Submissions (3):

Women's Health and Genetics/Laboratory Corporation of America, LabCorp
Classification: Uncertain significance. Last evaluated: 2025-03-12. Review status: criteria provided, single submitter. Criteria: LabCorp Variant Classification Summary - May 2015. Collection method: clinical testing. Allele origin: germline.
Comment: Variant summary: TSC1 c.118A>G (p.Met40Val) results in a conservative amino acid change in the encoded protein sequence. Five of five in-silico tools predict a benign effect of the variant on protein function. The variant was absent in 250974 control chromosomes. The available data on variant occurrences in the general population are insufficient to allow any conclusion about variant significance. To our knowledge, no occurrence of c.118A>G in individuals affected with Tuberous Sclerosis Complex and no experimental evidence demonstrating its impact on protein function have been reported. ClinVar contains an entry for this variant (Variation ID: 1059296). Based on the evidence outlined above, the variant was classified as uncertain significance.

Ambry Genetics
Classification: Uncertain significance for Hereditary cancer-predisposing syndrome. Last evaluated: 2024-03-16. Review status: criteria provided, single submitter. Criteria: Ambry Variant Classification Scheme 2023. Collection method: clinical testing. Allele origin: germline.
Comment: The p.M40V variant (also known as c.118A>G), located in coding exon 2 of the TSC1 gene, results from an A to G substitution at nucleotide position 118. The methionine at codon 40 is replaced by valine, an amino acid with highly similar properties. This amino acid position is conserved. In addition, this alteration is predicted to be tolerated by in silico analysis. Based on the available evidence, the clinical significance of this alteration remains unclear.

Labcorp Genetics (formerly Invitae), Labcorp
Classification: Uncertain significance for Tuberous sclerosis 1. Last evaluated: 2024-02-17. Review status: criteria provided, single submitter. Criteria: Invitae Variant Classification Sherloc (09022015). Collection method: clinical testing. Allele origin: germline.
Comment: This sequence change replaces methionine, which is neutral and non-polar, with valine, which is neutral and non-polar, at codon 40 of the TSC1 protein (p.Met40Val). This variant is not present in population databases (gnomAD no frequency). This variant has not been reported in the literature in individuals affected with TSC1-related conditions. ClinVar contains an entry for this variant (Variation ID: 1059296). Advanced modeling of protein sequence and biophysical properties (such as structural, functional, and spatial information, amino acid conservation, physicochemical variation, residue mobility, and thermodynamic stability) performed at Invitae indicates that this missense variant is not expected to disrupt TSC1 protein function with a negative predictive value of 95%. In summary, the available evidence is currently insufficient to determine the role of this variant in disease. Therefore, it has been classified as a Variant of Uncertain Significance.